The following is an entry in ClinVar:

NM_001374828.1(ARID1B):c.2856G>A (p.Met952Ile)

Gene: ARID1B (AT-rich interaction domain 1B; plus strand). Cytogenetic location: 6q25.3.
Variant type: single nucleotide variant.
Coding change: c.2856G>A on transcript NM_001374828.1 (MANE Select); coding-DNA position 2856, G replaced by A.
Protein change: p.Met952Ile; replaces methionine 952 with isoleucine.
Molecular consequence: missense variant.
Genome position (GRCh38, 1-based): chr6:157,148,718, G>A. VCF-style: chr6-157148718-G-A. GRCh37 (hg19) VCF-style: chr6-157469852-G-A.
Other names: c.357G>A, p.Met119Ile (NM_001363725.2); c.2895G>A, p.Met965Ile (NM_001371656.1, NM_001374820.1); c.2856G>A, p.Met952Ile (NM_017519.3); c.2646G>A (NM_020732.3); short protein forms M119I, M952I, M965I.
Identifiers: ClinVar variation 3368946 (VCV003368946.1).

ClinVar aggregate classification (germline): Uncertain significance (1 of 4 stars; one submission).

Submission:

GeneDx
Classification: Uncertain significance. Last evaluated: 2024-02-07. Review status: criteria provided, single submitter. Criteria: GeneDx Variant Classification Process June 2021. Collection method: clinical testing. Allele origin: germline. Affected: yes.
Comment: Not observed at significant frequency in large population cohorts (gnomAD); In silico analysis supports that this missense variant has a deleterious effect on protein structure/function; Has not been previously published as pathogenic or benign to our knowledge